The following is an entry in ClinVar:

NM_000038.6(APC):c.1537G>A (p.Val513Ile)

Gene: APC (APC regulator of Wnt signaling pathway; plus strand). Cytogenetic location: 5q22.2.
Variant type: single nucleotide variant.
Coding change: c.1537G>A on transcript NM_000038.6 (MANE Select); coding-DNA position 1537, G replaced by A.
Protein change: p.Val513Ile; replaces valine 513 with isoleucine.
Molecular consequence: missense variant.
Genome position (GRCh38, 1-based): chr5:112,827,236, G>A. VCF-style: chr5-112827236-G-A. GRCh37 (hg19) VCF-style: chr5-112162933-G-A.
Other names: c.1537G>A, p.Val513Ile (NM_001127510.3, NM_001354895.2); c.1483G>A, p.Val495Ile (NM_001127511.3); c.1591G>A, p.Val531Ile (NM_001354896.2); c.1567G>A, p.Val523Ile (NM_001354897.2); c.1462G>A, p.Val488Ile (NM_001354898.2); c.1453G>A, p.Val485Ile (NM_001354899.2); c.1414G>A, p.Val472Ile (NM_001354900.2); c.1360G>A, p.Val454Ile (NM_001354901.2); and 6 more; short protein forms V230I, V353I, V387I, V412I, V422I, V454I, V472I, V485I.
Identifiers: ClinVar variation 1692294 (VCV001692294.8), dbSNP rs761268212, ClinGen allele CA028087.

ClinVar aggregate classification (germline): Uncertain significance. Review status: criteria provided, multiple submitters, no conflicts (2 of 4 stars). 3 submissions from 3 submitters: Uncertain significance (3). Last evaluated 2025-05-04.

Conditions:
Hereditary cancer-predisposing syndrome. Also called: Hereditary Cancer Syndrome; Hereditary neoplastic syndrome; Neoplastic Syndromes, Hereditary; Tumor predisposition. Identifiers: Orphanet 140162, MedGen C0027672, MeSH D009386, MONDO:0015356.
Familial adenomatous polyposis 1 (FAP1). Also called: FAMILIAL ADENOMATOUS POLYPOSIS 1, ATTENUATED; POLYPOSIS, ADENOMATOUS INTESTINAL. Identifiers: MedGen C2713442, MONDO:0021056, OMIM 175100. Disease mechanism: loss of function.

Allele frequency attached by ClinVar (database versions not stated): gnomAD exomes below 0.00001; ExAC 0.00001.

Submissions (3):

Labcorp Genetics (formerly Invitae), Labcorp
Classification: Uncertain significance for Familial adenomatous polyposis 1. Last evaluated: 2025-05-04. Review status: criteria provided, single submitter. Criteria: Invitae Variant Classification Sherloc (09022015). Collection method: clinical testing. Allele origin: germline.
Comment: This sequence change replaces valine, which is neutral and non-polar, with isoleucine, which is neutral and non-polar, at codon 513 of the APC protein (p.Val513Ile). This variant is present in population databases (rs761268212, gnomAD 0.0009%). This missense change has been observed in individual(s) with thyroid cancer (PMID: 29684080). ClinVar contains an entry for this variant (Variation ID: 1692294). Invitae Evidence Modeling of protein sequence and biophysical properties (such as structural, functional, and spatial information, amino acid conservation, physicochemical variation, residue mobility, and thermodynamic stability) indicates that this missense variant is not expected to disrupt APC protein function with a negative predictive value of 95%. In summary, the available evidence is currently insufficient to determine the role of this variant in disease. Therefore, it has been classified as a Variant of Uncertain Significance.

Ambry Genetics
Classification: Uncertain significance for Hereditary cancer-predisposing syndrome. Last evaluated: 2023-02-28. Review status: criteria provided, single submitter. Criteria: Ambry Variant Classification Scheme 2023. Collection method: clinical testing. Allele origin: germline.
Comment: The p.V513I variant (also known as c.1537G>A), located in coding exon 11 of the APC gene, results from a G to A substitution at nucleotide position 1537. The valine at codon 513 is replaced by isoleucine, an amino acid with highly similar properties. This amino acid position is highly conserved in available vertebrate species. In addition, in silico predictors for this gene do not accurately predict pathogenicity. Since supporting evidence is limited at this time, the clinical significance of this alteration remains unclear.

Sema4
Classification: Uncertain significance for Hereditary cancer-predisposing syndrome. Last evaluated: 2021-08-27. Review status: criteria provided, single submitter. Criteria: Sema4 Curation Guidelines. Collection method: curation. Allele origin: germline.
Comment: The APC c.1537G>A (p.V513I) variant has been reported in at least one individual with thyroid cancer (PMID: 29684080). It was observed in 1/251266 chromosomes in the large and broad cohorts of the Genome Aggregation Database (PMID: 32461654). This variant has not been reported in ClinVar. Functional studies have not been performed and in silico predictions of the variant's effect on protein function are inconclusive. The evidence is insufficient to meet ACMG/AMP criteria for classifying the variant as benign or pathogenic. Thus, the clinical significance of this variant is currently uncertain.

Literature cited by the submitters: PubMed 29684080 (cited by Labcorp Genetics (formerly Invitae), Labcorp and Sema4).